The following is an entry in ClinVar:

ClinVar aggregate classification (germline): Uncertain significance (1 of 4 stars; one submission).

Submission:

Labcorp Genetics (formerly Invitae), Labcorp
Classification: Uncertain significance. Last evaluated: 2024-03-11. Review status: criteria provided, single submitter. Criteria: Invitae Variant Classification Sherloc (09022015). Collection method: clinical testing. Allele origin: germline.
Comment: This sequence change replaces threonine, which is neutral and polar, with alanine, which is neutral and non-polar, at codon 1311 of the HTT protein (p.Thr1311Ala). This variant is not present in population databases (gnomAD no frequency). This variant has not been reported in the literature in individuals affected with HTT-related conditions. ClinVar contains an entry for this variant (Variation ID: 1509696). Experimental studies and prediction algorithms are not available or were not evaluated, and the functional significance of this variant is currently unknown. In summary, the available evidence is currently insufficient to determine the role of this variant in disease. Therefore, it has been classified as a Variant of Uncertain Significance.

NM_001388492.1(HTT):c.3925A>G (p.Thr1309Ala)

Gene: HTT (huntingtin; plus strand). Cytogenetic location: 4p16.3.
Variant type: single nucleotide variant.
Coding change: c.3925A>G on transcript NM_001388492.1 (MANE Select); coding-DNA position 3925, A replaced by G.
Protein change: p.Thr1309Ala; replaces threonine 1309 with alanine.
Molecular consequence: missense variant.
Genome position (GRCh38, 1-based): chr4:3,172,380, A>G. VCF-style: chr4-3172380-A-G. GRCh37 (hg19) VCF-style: chr4-3174107-A-G.
Other names: c.3931A>G, p.Thr1311Ala (NM_002111.8); short protein forms T1311A, T1309A.
Identifiers: ClinVar variation 1509696 (VCV001509696.6), dbSNP rs2110231458, ClinGen allele CA356064354.